The following is an entry in ClinVar:

ClinVar aggregate classification (germline): Pathogenic/Likely pathogenic. Review status: criteria provided, multiple submitters, no conflicts (2 of 4 stars). 26 submissions from 26 submitters: Pathogenic (22); Likely pathogenic (1). 3 of the submissions do not count toward it. Last evaluated 2026-09-21.

Conditions:
AP4S1-related disorder.
Spastic paraplegia. Identifiers: MedGen C0037772, HP:0001258.
Hereditary spastic paraplegia 52 (SPG52). Also called: SPASTIC PARAPLEGIA 52, AUTOSOMAL RECESSIVE; CEREBRAL PALSY, SPASTIC QUADRIPLEGIC, 6. Identifiers: Orphanet 280763, MedGen C3279743, MONDO:0013552, OMIM 614067.
Intellectual disability. Also called: intellectual disabilities; Intellectual functioning disability; Intellectual developmental disorder. Identifiers: MedGen C3714756, MeSH D008607, MONDO:0001071, HP:0001249.

Allele frequency attached by ClinVar (database versions not stated): gnomAD 0.00009 and 0.00012; TOPMed 0.00011; ExAC 0.00012; ESP Exome Variant Server 0.00015; 1000 Genomes Project 0.00020; 1000 Genomes Project 30x 0.00031.
gnomAD v4.1: 186 of 1,613,462 alleles (0.012%); highest among the groups gnomAD compares: East Asian, 0.031%; no homozygotes.

Submissions 1 to 15 of 26:

PreventionGenetics, part of Exact Sciences
Classification: Pathogenic for AP4S1-related condition. Last evaluated: 2026-09-21. Review status: criteria provided, single submitter. Criteria: ACMG Guidelines, 2015. Collection method: clinical testing. Allele origin: germline.
Comment: The AP4S1 c.289C>T variant is predicted to result in premature protein termination (p.Arg97*). This variant was reported in the homozygous and compound heterozygous state in many individuals with neurodevelopmental disorders and/or spastic paraplegia (Hardies et al. 2015. PubMed ID: 25552650; Chérot et al. 2017. PubMed ID: 28708303; Miller et al. 2020. PubMed ID: 32371413; Hiraide et al. 2021. PubMed ID: 33644862). This variant is reported in 0.017% of alleles in individuals of Latino descent in gnomAD. Nonsense variants in AP4S1 are expected to be pathogenic. This variant is interpreted as pathogenic.

Labcorp Genetics (formerly Invitae), Labcorp
Classification: Pathogenic for Spastic paraplegia. Last evaluated: 2026-01-13. Review status: criteria provided, single submitter. Criteria: Invitae Variant Classification Sherloc (09022015). Collection method: clinical testing. Allele origin: germline.
Comment: This sequence change creates a premature translational stop signal (p.Arg97*) in the AP4S1 gene. It is expected to result in an absent or disrupted protein product. Loss-of-function variants in AP4S1 are known to be pathogenic (PMID: 21620353, 25552650, 27444738). This variant is present in population databases (rs200440467, gnomAD 0.02%). This premature translational stop signal has been observed in individual(s) with hereditary spastic paraplegia (PMID: 25552650). It has also been observed to segregate with disease in related individuals. ClinVar contains an entry for this variant (Variation ID: 234924). For these reasons, this variant has been classified as Pathogenic.

First Genomix Gene Laboratory, Genetic Diagnostics Department
Classification: Pathogenic for Hereditary spastic paraplegia 52. Last evaluated: 2025-09-16. Review status: criteria provided, single submitter. Criteria: ACMG Guidelines, 2015. Collection method: clinical testing. Allele origin: germline. Inheritance: Autosomal recessive inheritance. Affected: no. Observed: 1 variant allele.

Institute of Human Genetics, Heidelberg University
Classification: Pathogenic for Hereditary spastic paraplegia 52. Last evaluated: 2025-04-15. Review status: criteria provided, single submitter. Criteria: ACMG Guidelines, 2015. Collection method: clinical testing. Allele origin: biparental. Affected: yes. Observed: 3 variant alleles.
Comment: PM2_supp, PVS1_vs, PM3_strong

Genetic Foundation of Khorasan Razavi (GFKR)
Classification: Pathogenic for Hereditary spastic paraplegia 52. Last evaluated: 2024-12-10. Review status: criteria provided, single submitter. Criteria: ACMG Guidelines, 2015. Collection method: clinical testing. Allele origin: inherited. Inheritance: Autosomal recessive inheritance. Affected: yes.
Comment: This stop-gain variant is predicted to result in loss of function, which is a well-established disease mechanism for this gene, and has been reported in Caucasian patients with Spastic Paraplegia 52, autosomal recessive, segregating with the disease. In addition, at least 13 independent laboratories have submitted this variant as pathogenic. The variant is rare or absent from population databases. Taken together, these lines of evidence support a pathogenic classification according to ACMG/AMP guidelines.

3billion
Classification: Pathogenic for Hereditary spastic paraplegia 52. Last evaluated: 2024-11-11. Review status: criteria provided, single submitter. Criteria: ACMG Guidelines, 2015. Collection method: clinical testing. Allele origin: germline. Affected: yes.
Comment: The variant is observed at an extremely low frequency in the gnomAD v4.1.0 dataset (total allele frequency: 0.012%). Predicted Consequence/Location: Stop-gained (nonsense): predicted to result in a loss or disruption of normal protein function through nonsense-mediated decay (NMD) or protein truncation. Multiple pathogenic variants are reported downstream of the variant. The variant has been reported at least twice as pathogenic with clinical assertions and evidence for the classification (ClinVar ID: VCV000234924 /PMID: 25552650 /3billion dataset). Therefore, this variant is classified as Pathogenic according to the recommendation of ACMG/AMP guideline.

Blueprint Genetics
Classification: Pathogenic for AP4S1-related disorders. Last evaluated: 2024-10-28. Review status: criteria provided, single submitter. Criteria: ACMG Guidelines, 2015. Collection method: clinical testing. Allele origin: germline. Affected: yes. Observed: 5 variant alleles.

Institute of Immunology and Genetics Kaiserslautern
Classification: Pathogenic for Hereditary spastic paraplegia 52. Last evaluated: 2024-05-22. Review status: criteria provided, single submitter. Criteria: ACMG Guidelines, 2015. Collection method: clinical testing. Allele origin: biparental. Affected: yes.
Comment: ACMG Criteria: PVS1, PS3, PM3, PM2_P, PP5.

Genomic Medicine Center of Excellence, King Faisal Specialist Hospital and Research Centre
Classification: Pathogenic for Hereditary spastic paraplegia 52. Last evaluated: 2024-03-26. Review status: criteria provided, single submitter. Criteria: ACMG Guidelines, 2015. Collection method: clinical testing. Allele origin: germline.

Rady Children's Institute for Genomic Medicine, Rady Children's Hospital San Diego
Classification: Pathogenic for SPASTIC PARAPLEGIA 52, AUTOSOMAL RECESSIVE. Last evaluated: 2023-12-23. Review status: criteria provided, single submitter. Criteria: ACMG Guidelines, 2015. Collection method: clinical testing. Allele origin: germline. Affected: yes.
Comment: This nonsense variant found in exon 4 of 6 is predicted to result in loss of normal protein function through either protein truncation or nonsense-mediated mRNA decay. Loss-of-function variation in AP4S1 is an established mechanism of disease (PMID: 21620353, 25552650). This variant has been previously reported as a compound heterozygous and homozygous change in individuals with spastic paraplegia (PMID: 25552650, 28708303, 31130284, 32979048, 32371413). The c.289C>T (p.Arg97Ter) variant is present in the heterozygous state in the gnomAD population database at a frequency of 0.01% (31/282750). Based on the available evidence, c.289C>T (p.Arg97Ter) is classified as Pathogenic.

Institute of Human Genetics, University of Leipzig Medical Center
Classification: Pathogenic for Hereditary spastic paraplegia 52. Last evaluated: 2023-11-09. Review status: criteria provided, single submitter. Criteria: ACMG Guidelines, 2015. Collection method: clinical testing. Allele origin: inherited. Inheritance: Autosomal recessive inheritance. Affected: yes.
Comment: Criteria applied: PVS1,PS4_MOD,PM3,PM2_SUP

GeneDx
Classification: Pathogenic. Last evaluated: 2023-03-24. Review status: criteria provided, single submitter. Criteria: GeneDx Variant Classification Process June 2021. Collection method: clinical testing. Allele origin: germline. Affected: yes.
Comment: Nonsense variant predicted to result in protein truncation or nonsense mediated decay in a gene for which loss-of-function is a known mechanism of disease; This variant is associated with the following publications: (PMID: 25552650, 29302074, 31130284, 32371413, 33644862, 32895917, 32979048, 31345219, 27535533, 28708303)

Revvity Omics, Revvity
Classification: Pathogenic for Hereditary spastic paraplegia 52. Last evaluated: 2022-07-12. Review status: criteria provided, single submitter. Criteria: ACMG Guidelines, 2015. Collection method: clinical testing. Allele origin: germline.

Fulgent Genetics
Classification: Pathogenic for Hereditary spastic paraplegia 52. Last evaluated: 2022-02-10. Review status: criteria provided, single submitter. Criteria: ACMG Guidelines, 2015. Collection method: clinical testing. Allele origin: unknown.

Genetic Services Laboratory, University of Chicago
Classification: Pathogenic. Last evaluated: 2021-01-29. Review status: criteria provided, single submitter. Criteria: ACMG Guidelines, 2015. Collection method: clinical testing. Allele origin: germline. Affected: yes.

NM_001128126.3(AP4S1):c.289C>T (p.Arg97Ter)

Gene: AP4S1 (adaptor related protein complex 4 subunit sigma 1; plus strand). Cytogenetic location: 14q12.
Variant type: single nucleotide variant.
Coding change: c.289C>T on transcript NM_001128126.3 (MANE Select); coding-DNA position 289, C replaced by T.
Protein change: p.Arg97Ter; replaces arginine 97 with a stop codon.
Molecular consequence: nonsense.
Genome position (GRCh38, 1-based): chr14:31,072,968, C>T. VCF-style: chr14-31072968-C-T. GRCh37 (hg19) VCF-style: chr14-31542174-C-T.
Other names: c.289C>T, p.Arg97Ter (NM_001254726.2, NM_001254727.2, NM_001254728.2 and 2 more transcripts); short protein forms R97*.
Identifiers: ClinVar variation 234924 (VCV000234924.49), dbSNP rs200440467, ClinGen allele CA7144219.
Genomic context (GRCh38, chr14:31,072,968, plus strand): 5'-GAGATGGCTATTTATGAATTCATTCATAACTTTGTGGAAGTTTTAGATGAGTATTTCAGC[C>T]GAGTGGTAAGTCTAATGGCTAAAAAATGGTTTACTTCCTCAACCCAGTTTCCCAGAAATT-3'